The following is an entry in ClinVar:

NM_203447.4(DOCK8):c.3274A>G (p.Met1092Val)

Gene: DOCK8 (dedicator of cytokinesis 8; plus strand). Cytogenetic location: 9p24.3.
Variant type: single nucleotide variant.
Coding change: c.3274A>G on transcript NM_203447.4 (MANE Select); coding-DNA position 3274, A replaced by G.
Protein change: p.Met1092Val; replaces methionine 1092 with valine.
Molecular consequence: missense variant.
Genome position (GRCh38, 1-based): chr9:404,957, A>G. VCF-style: chr9-404957-A-G. GRCh37 (hg19) VCF-style: chr9-404957-A-G.
Other names: c.2974A>G, p.Met992Val (NM_001190458.2); c.3070A>G, p.Met1024Val (NM_001193536.2); short protein forms M1024V, M1092V, M992V.
Identifiers: ClinVar variation 1957620 (VCV001957620.6), dbSNP rs767988184, ClinGen allele CA4958626.
Genomic context (GRCh38, chr9:404,957, plus strand): 5'-TCTTTTCATTTTTCTTCCCAGCTGTCAGCCAAGCTCAGTAACCTTCCAACGCTCATTTCC[A>G]TGAGGCTAGAGTTCCTGAGAATCCTCTGTAGCCATGAGCATTACCTCAATCTGAACCTTT-3'
Protein context (NP_982272.2, residues 1082-1102): KLSNLPTLIS[Met1092Val]RLEFLRILCS

ClinVar aggregate classification (germline): Uncertain significance. Review status: criteria provided, multiple submitters, no conflicts (2 of 4 stars). 2 submissions from 2 submitters: Uncertain significance (2). Last evaluated 2025-08-14.

Conditions:
Inborn genetic diseases. Identifiers: MedGen C0950123, MeSH D030342.
Combined immunodeficiency due to DOCK8 deficiency (HIES2). Also called: HYPER-IgE SYNDROME 2, AUTOSOMAL RECESSIVE, WITH RECURRENT INFECTIONS; HIES autosomal recessive; Hyper-IgE recurrent infection syndrome, autosomal recessive; HYPER-IgE RECURRENT INFECTION SYNDROME 2, AUTOSOMAL RECESSIVE; DOCK8 Deficiency. Identifiers: Orphanet 217390, MedGen C4722305, MONDO:0009478, OMIM 243700.

Allele frequency attached by ClinVar (database versions not stated): gnomAD 0.00001; gnomAD exomes 0.00001; ExAC 0.00002.

Submissions (2):

Ambry Genetics
Classification: Uncertain significance for Inborn genetic diseases. Last evaluated: 2025-08-14. Review status: criteria provided, single submitter. Criteria: Ambry Variant Classification Scheme 2023. Collection method: clinical testing. Allele origin: germline.

Labcorp Genetics (formerly Invitae), Labcorp
Classification: Uncertain significance for Combined immunodeficiency due to DOCK8 deficiency. Last evaluated: 2022-04-29. Review status: criteria provided, single submitter. Criteria: Invitae Variant Classification Sherloc (09022015). Collection method: clinical testing. Allele origin: germline.
Comment: In summary, the available evidence is currently insufficient to determine the role of this variant in disease. Therefore, it has been classified as a Variant of Uncertain Significance. Algorithms developed to predict the effect of missense changes on protein structure and function (SIFT, PolyPhen-2, Align-GVGD) all suggest that this variant is likely to be tolerated. This variant has not been reported in the literature in individuals affected with DOCK8-related conditions. This variant is present in population databases (rs767988184, gnomAD 0.01%). This sequence change replaces methionine, which is neutral and non-polar, with valine, which is neutral and non-polar, at codon 1092 of the DOCK8 protein (p.Met1092Val).